The following is an entry in ClinVar:

ClinVar aggregate classification (germline): Uncertain significance (1 of 4 stars; one submission).

Conditions:
Aicardi-Goutieres syndrome 7 (AGS7). Identifiers: Orphanet 51, MedGen C3888244, MONDO:0014367, OMIM 615846.
Singleton-Merten syndrome 1 (SGMRT1). Also called: Widened medullary cavities of bone, aortic calcification, abnormal dentition, and muscular weakness; Syndrome of widened medullary cavities of the metacarpals and phalanges, aortic calcification and abnormal dentition. Identifiers: Orphanet 85191, MedGen C4225427, MONDO:0024535, OMIM 182250.

gnomAD v4.1: 1 of 1,612,646 alleles (0.000062%); highest among the groups gnomAD compares: Admixed American, 0.0017%; no homozygotes.

Submission:

Labcorp Genetics (formerly Invitae), Labcorp
Classification: Uncertain significance for Aicardi-Goutieres syndrome 7; Singleton-Merten syndrome 1. Last evaluated: 2024-12-16. Review status: criteria provided, single submitter. Criteria: Invitae Variant Classification Sherloc (09022015). Collection method: clinical testing. Allele origin: germline.
Comment: This sequence change replaces alanine, which is neutral and non-polar, with valine, which is neutral and non-polar, at codon 343 of the IFIH1 protein (p.Ala343Val). This variant is not present in population databases (gnomAD no frequency). This variant has not been reported in the literature in individuals affected with IFIH1-related conditions. Invitae Evidence Modeling of protein sequence and biophysical properties (such as structural, functional, and spatial information, amino acid conservation, physicochemical variation, residue mobility, and thermodynamic stability) has been performed for this missense variant. However, the output from this modeling did not meet the statistical confidence thresholds required to predict the impact of this variant on IFIH1 protein function. In summary, the available evidence is currently insufficient to determine the role of this variant in disease. Therefore, it has been classified as a Variant of Uncertain Significance.

NM_022168.4(IFIH1):c.1028C>T (p.Ala343Val)

Gene: IFIH1 (interferon induced with helicase C domain 1; minus strand). Cytogenetic location: 2q24.2.
Variant type: single nucleotide variant.
Coding change: c.1028C>T on transcript NM_022168.4 (MANE Select); coding-DNA position 1028, C replaced by T.
Protein change: p.Ala343Val; replaces alanine 343 with valine.
Molecular consequence: missense variant.
Genome position (GRCh38, 1-based): chr2:162,288,202, G>A on the plus strand (C>T on the coding strand, the complement: IFIH1 is on the minus strand). VCF-style: chr2-162288202-G-A. GRCh37 (hg19) VCF-style: chr2-163144712-G-A.
Other names: short protein forms A343V.
Identifiers: ClinVar variation 3750265 (VCV003750265.2).